The following is an entry in ClinVar:

ClinVar aggregate classification (germline): Uncertain significance (1 of 4 stars; one submission).

Submission:

Labcorp Genetics (formerly Invitae), Labcorp
Classification: Uncertain significance. Last evaluated: 2023-07-25. Review status: criteria provided, single submitter. Criteria: Invitae Variant Classification Sherloc (09022015). Collection method: clinical testing. Allele origin: germline.
Comment: This sequence change replaces valine, which is neutral and non-polar, with alanine, which is neutral and non-polar, at codon 824 of the NEFH protein (p.Val824Ala). This variant is not present in population databases (gnomAD no frequency). This variant has not been reported in the literature in individuals affected with NEFH-related conditions. Advanced modeling of protein sequence and biophysical properties (such as structural, functional, and spatial information, amino acid conservation, physicochemical variation, residue mobility, and thermodynamic stability) performed at Invitae indicates that this missense variant is not expected to disrupt NEFH protein function. In summary, the available evidence is currently insufficient to determine the role of this variant in disease. Therefore, it has been classified as a Variant of Uncertain Significance.

NM_021076.4(NEFH):c.2471T>C (p.Val824Ala)

Gene: NEFH (neurofilament heavy chain; plus strand). Cytogenetic location: 22q12.2.
Variant type: single nucleotide variant.
Coding change: c.2471T>C on transcript NM_021076.4 (MANE Select); coding-DNA position 2471, T replaced by C.
Protein change: p.Val824Ala; replaces valine 824 with alanine.
Molecular consequence: missense variant.
Genome position (GRCh38, 1-based): chr22:29,490,111, T>C. VCF-style: chr22-29490111-T-C. GRCh37 (hg19) VCF-style: chr22-29886100-T-C.
Other names: short protein forms V824A.
Identifiers: ClinVar variation 2746627 (VCV002746627.3), dbSNP rs2517979053, ClinGen allele CA411137643.